The following is an entry in ClinVar:

NM_000038.6(APC):c.1600A>T (p.Lys534Ter)

Gene: APC (APC regulator of Wnt signaling pathway; plus strand). Cytogenetic location: 5q22.2.
Variant type: single nucleotide variant.
Coding change: c.1600A>T on transcript NM_000038.6 (MANE Select); coding-DNA position 1600, A replaced by T.
Protein change: p.Lys534Ter; replaces lysine 534 with a stop codon.
Molecular consequence: nonsense.
Genome position (GRCh38, 1-based): chr5:112,827,980, A>T. VCF-style: chr5-112827980-A-T. GRCh37 (hg19) VCF-style: chr5-112163677-A-T.
Other names: c.1600A>T, p.Lys534Ter (NM_001127510.3, NM_001354895.2); c.1546A>T, p.Lys516Ter (NM_001127511.3); c.1654A>T, p.Lys552Ter (NM_001354896.2); c.1630A>T, p.Lys544Ter (NM_001354897.2); c.1525A>T, p.Lys509Ter (NM_001354898.2); c.1516A>T, p.Lys506Ter (NM_001354899.2); c.1477A>T, p.Lys493Ter (NM_001354900.2); c.1423A>T, p.Lys475Ter (NM_001354901.2); and 5 more; short protein forms K544*, K506*, K509*, K534*, K552*, K374*, K251*, K408*.
Identifiers: ClinVar variation 665501 (VCV000665501.14), dbSNP rs1580569295, ClinGen allele CA16024799.

ClinVar aggregate classification (germline): Pathogenic. Review status: criteria provided, multiple submitters, no conflicts (2 of 4 stars). 4 submissions from 4 submitters: Pathogenic (2). 2 of the submissions do not count toward it. Last evaluated 2023-05-08.

Conditions:
Familial adenomatous polyposis 1 (FAP1). Also called: POLYPOSIS, ADENOMATOUS INTESTINAL; FAMILIAL ADENOMATOUS POLYPOSIS 1, ATTENUATED. Identifiers: MedGen C2713442, MONDO:0021056, OMIM 175100. Disease mechanism: loss of function.

Submissions (4):

Labcorp Genetics (formerly Invitae), Labcorp
Classification: Pathogenic for Familial adenomatous polyposis 1. Last evaluated: 2023-05-08. Review status: criteria provided, single submitter. Criteria: Invitae Variant Classification Sherloc (09022015). Collection method: clinical testing. Allele origin: germline.
Comment: For these reasons, this variant has been classified as Pathogenic. ClinVar contains an entry for this variant (Variation ID: 665501). This premature translational stop signal has been observed in individual(s) with APC-related conditions (PMID: 10612827). This variant is not present in population databases (gnomAD no frequency). This sequence change creates a premature translational stop signal (p.Lys534*) in the APC gene. It is expected to result in an absent or disrupted protein product. Loss-of-function variants in APC are known to be pathogenic (PMID: 17963004, 20685668).

Myriad Genetics, Inc.
Classification: Pathogenic for Familial adenomatous polyposis 1. Last evaluated: 2023-05-02. Review status: criteria provided, single submitter. Criteria: Myriad Autosomal Dominant, Autosomal Recessive and X-Linked Classification Criteria (2023). Collection method: clinical testing. Allele origin: unknown.
Comment: This variant is considered pathogenic. This variant creates a termination codon and is predicted to result in premature protein truncation.

Joint Genome Diagnostic Labs from Nijmegen and Maastricht, Radboudumc and MUMC+
Classification: Pathogenic. Review status: no assertion criteria provided. Collection method: clinical testing. Allele origin: germline. Affected: yes. Study: VKGL Data-share Consensus. Not counted in ClinVar's aggregate classification.

Laboratory of Diagnostic Genome Analysis, Leiden University Medical Center (LUMC)
Classification: Pathogenic. Review status: no assertion criteria provided. Collection method: clinical testing. Allele origin: germline. Affected: yes. Study: VKGL Data-share Consensus. Not counted in ClinVar's aggregate classification.

Literature cited by the submitters: PubMed 10612827 (cited by Labcorp Genetics (formerly Invitae), Labcorp); PubMed 17963004 (cited by Labcorp Genetics (formerly Invitae), Labcorp); PubMed 20685668 (cited by Labcorp Genetics (formerly Invitae), Labcorp).